The following is an entry in ClinVar:

NM_005751.5(AKAP9):c.6113T>C (p.Ile2038Thr)

Gene: AKAP9 (A-kinase anchoring protein 9; plus strand). Cytogenetic location: 7q21.2.
Variant type: single nucleotide variant.
Coding change: c.6113T>C on transcript NM_005751.5 (MANE Select); coding-DNA position 6113, T replaced by C.
Protein change: p.Ile2038Thr; replaces isoleucine 2038 with threonine.
Molecular consequence: missense variant.
Genome position (GRCh38, 1-based): chr7:92,065,366, T>C. VCF-style: chr7-92065366-T-C. GRCh37 (hg19) VCF-style: chr7-91694680-T-C.
Other names: c.758T>C, p.Ile253Thr (NM_001379277.1); c.6113T>C, p.Ile2038Thr (NM_147185.3); c.6113T>C (NM_005751.4); short protein forms I253T, I2038T.
Identifiers: ClinVar variation 1039148 (VCV001039148.12), dbSNP rs776217591, ClinGen allele CA4336999.
Genomic context (GRCh38, chr7:92,065,366, plus strand): 5'-ACCTTCAAAAACAAGTGAAAGCTCTAGAAATAGATGTGGAAGAACAAGTCAGTAGGTTTA[T>C]AGAGCTGGAACAAGAAAAAAATACTGAACTAATGGATTTAAGACAGCAAAACCAAGCATT-3'
Protein context (NP_005742.4, residues 2028-2048): IDVEEQVSRF[Ile2038Thr]ELEQEKNTEL

ClinVar aggregate classification (germline): Uncertain significance. Review status: criteria provided, multiple submitters, no conflicts (2 of 4 stars). 2 submissions from 2 submitters: Uncertain significance (2). Last evaluated 2022-12-18.

Conditions:
Long QT syndrome (LQTS). Identifiers: MedGen C0023976, MeSH D008133, MONDO:0002442. Disease mechanism: loss of function. Inheritance: Various modes of inheritance.
Cardiovascular phenotype. Identifiers: MedGen CN230736.

Allele frequency attached by ClinVar (database versions not stated): gnomAD exomes below 0.00001 and 0.00001; ExAC 0.00001; TOPMed 0.00001.
gnomAD v4.1: 4 of 1,613,222 alleles (0.00025%); highest among the groups gnomAD compares: East Asian, 0.0022%; no homozygotes.

Submissions (2):

Ambry Genetics
Classification: Uncertain significance for Cardiovascular phenotype. Last evaluated: 2022-12-18. Review status: criteria provided, single submitter. Criteria: Ambry Variant Classification Scheme 2023. Collection method: clinical testing. Allele origin: germline.
Comment: The p.I2038T variant (also known as c.6113T>C), located in coding exon 25 of the AKAP9 gene, results from a T to C substitution at nucleotide position 6113. The isoleucine at codon 2038 is replaced by threonine, an amino acid with similar properties. This amino acid position is conserved. In addition, this alteration is predicted to be tolerated by in silico analysis. Since supporting evidence is limited at this time, the clinical significance of this alteration remains unclear.

Labcorp Genetics (formerly Invitae), Labcorp
Classification: Uncertain significance for Long QT syndrome. Last evaluated: 2022-08-15. Review status: criteria provided, single submitter. Criteria: Invitae Variant Classification Sherloc (09022015). Collection method: clinical testing. Allele origin: germline.
Comment: In summary, the available evidence is currently insufficient to determine the role of this variant in disease. Therefore, it has been classified as a Variant of Uncertain Significance. Algorithms developed to predict the effect of missense changes on protein structure and function are either unavailable or do not agree on the potential impact of this missense change (SIFT: "Deleterious"; PolyPhen-2: "Possibly Damaging"; Align-GVGD: "Class C0"). ClinVar contains an entry for this variant (Variation ID: 1039148). This variant has not been reported in the literature in individuals affected with AKAP9-related conditions. This variant is present in population databases (rs776217591, gnomAD 0.01%). This sequence change replaces isoleucine, which is neutral and non-polar, with threonine, which is neutral and polar, at codon 2038 of the AKAP9 protein (p.Ile2038Thr).